The following is an entry in ClinVar:

ClinVar aggregate classification (germline): Uncertain significance. Review status: criteria provided, multiple submitters, no conflicts (2 of 4 stars). 2 submissions from 2 submitters: Uncertain significance (2). Last evaluated 2024-08-11.

Conditions:
Hereditary cancer-predisposing syndrome. Also called: Tumor predisposition; Neoplastic Syndromes, Hereditary; Hereditary Cancer Syndrome; Hereditary neoplastic syndrome. Identifiers: Orphanet 140162, MedGen C0027672, MeSH D009386, MONDO:0015356.
Hereditary breast ovarian cancer syndrome. Also called: Hereditary breast and ovarian cancer; Breast and ovarian cancer; Hereditary breast and/or ovarian cancer syndrome; Hereditary breast and ovarian cancer syndrome; BRCA1- and BRCA2-Associated Hereditary Breast and Ovarian Cancer; Hereditary breast and ovarian cancer syndrome (HBOC). Identifiers: Orphanet 145, MedGen C0677776, MeSH D061325, MONDO:0003582. Disease mechanism: loss of function.

Submissions (2):

Labcorp Genetics (formerly Invitae), Labcorp
Classification: Uncertain significance for Hereditary breast ovarian cancer syndrome. Last evaluated: 2024-08-11. Review status: criteria provided, single submitter. Criteria: Invitae Variant Classification Sherloc (09022015). Collection method: clinical testing. Allele origin: germline.
Comment: This sequence change replaces glutamine, which is neutral and polar, with glutamic acid, which is acidic and polar, at codon 657 of the BRCA1 protein (p.Gln657Glu). This variant is not present in population databases (gnomAD no frequency). This variant has not been reported in the literature in individuals affected with BRCA1-related conditions. Advanced modeling of protein sequence and biophysical properties (such as structural, functional, and spatial information, amino acid conservation, physicochemical variation, residue mobility, and thermodynamic stability) performed at Invitae indicates that this missense variant is not expected to disrupt BRCA1 protein function with a negative predictive value of 95%. In summary, the available evidence is currently insufficient to determine the role of this variant in disease. Therefore, it has been classified as a Variant of Uncertain Significance.

Ambry Genetics
Classification: Uncertain significance for Hereditary cancer-predisposing syndrome. Last evaluated: 2024-07-19. Review status: criteria provided, single submitter. Criteria: Ambry Variant Classification Scheme 2023. Collection method: clinical testing. Allele origin: germline.
Comment: The p.Q657E variant (also known as c.1969C>G), located in coding exon 9 of the BRCA1 gene, results from a C to G substitution at nucleotide position 1969. The glutamine at codon 657 is replaced by glutamic acid, an amino acid with highly similar properties. This amino acid position is well conserved in available vertebrate species. In addition, the in silico prediction for this alteration is inconclusive. Based on the available evidence, the clinical significance of this variant remains unclear.

NM_007294.4(BRCA1):c.1969C>G (p.Gln657Glu)

Gene: BRCA1 (BRCA1 DNA repair associated; minus strand). Cytogenetic location: 17q21.31.
Variant type: single nucleotide variant.
Coding change: c.1969C>G on transcript NM_007294.4 (MANE Select); coding-DNA position 1969, C replaced by G.
Protein change: p.Gln657Glu; replaces glutamine 657 with glutamic acid.
Molecular consequence: missense variant. On other transcripts: intron variant (137).
Genome position (GRCh38, 1-based): chr17:43,093,562, G>C on the plus strand (C>G on the coding strand, the complement: BRCA1 is on the minus strand). VCF-style: chr17-43093562-G-C. GRCh37 (hg19) VCF-style: chr17-41245579-G-C.
Other names: c.1465C>G, p.Gln489Glu (NM_001407965.1); c.1081C>G, p.Gln361Glu (NM_001407966.1, NM_001407967.1); c.643+1182C>G (NM_001408470.1, NM_001408464.1, NM_001408468.1 and 3 more transcripts); c.1828C>G, p.Gln610Glu (NM_007297.4, NM_001407692.1, NM_001407694.1 and 29 more transcripts); c.1969C>G, p.Gln657Glu (NM_007300.4, NM_001407581.1, NM_001407582.1 and 30 more transcripts); c.646+1182C>G (NM_001408458.1, NM_001408469.1, NM_001408453.1 and 11 more transcripts); c.283+1182C>G (NM_001408512.1); c.406+1182C>G (NM_001408510.1); and 40 more; short protein forms Q587E, Q590E, Q615E, Q616E, Q654E, Q656E, Q530E, Q546E.
Identifiers: ClinVar variation 3481823 (VCV003481823.3).
Genomic context (GRCh38, chr17:43,093,562, plus strand): 5'-CAGTTGCAGGTTCTTTACCTTCCATGAGTTGTAGGTTTCTGCTGTGCCTGACTGGCATTT[G>C]GTTGTACTTTTTTTTCTTTATCTCTTCACTGCTAGAACAACTATCAATTTGCAATTCAGT-3'
Protein context (NP_009225.1, residues 647-667): SEEIKKKKYN[Gln657Glu]MPVRHSRNLQ